The following is an entry in ClinVar:

NM_031844.3(HNRNPU):c.1285G>C (p.Gly429Arg)

Gene: HNRNPU (heterogeneous nuclear ribonucleoprotein U; minus strand). Cytogenetic location: 1q44.
Variant type: single nucleotide variant.
Coding change: c.1285G>C on transcript NM_031844.3 (MANE Select); coding-DNA position 1285, G replaced by C.
Protein change: p.Gly429Arg; replaces glycine 429 with arginine.
Molecular consequence: missense variant.
Genome position (GRCh38, 1-based): chr1:244,858,220, C>G on the plus strand (G>C on the coding strand, the complement: HNRNPU is on the minus strand). VCF-style: chr1-244858220-C-G. GRCh37 (hg19) VCF-style: chr1-245021522-C-G.
Other names: c.1228G>C, p.Gly410Arg (NM_004501.3); short protein forms G429R, G410R.
Identifiers: ClinVar variation 2698529 (VCV002698529.3), dbSNP rs762720157, ClinGen allele CA345491968.

ClinVar aggregate classification (germline): Uncertain significance (1 of 4 stars; one submission).

Conditions:
Developmental and epileptic encephalopathy, 54. Also called: HNRNPU-Related Neurodevelopmental Disorder; Epileptic encephalopathy, early infantile, 54. Identifiers: MedGen C4479319, MONDO:0033363, OMIM 617391.

Submission:

Labcorp Genetics (formerly Invitae), Labcorp
Classification: Uncertain significance for Developmental and epileptic encephalopathy, 54. Last evaluated: 2023-06-07. Review status: criteria provided, single submitter. Criteria: Invitae Variant Classification Sherloc (09022015). Collection method: clinical testing. Allele origin: germline.
Comment: In summary, the available evidence is currently insufficient to determine the role of this variant in disease. Therefore, it has been classified as a Variant of Uncertain Significance. Advanced modeling of protein sequence and biophysical properties (such as structural, functional, and spatial information, amino acid conservation, physicochemical variation, residue mobility, and thermodynamic stability) performed at Invitae indicates that this missense variant is expected to disrupt HNRNPU protein function. This variant is not present in population databases (gnomAD no frequency). This variant has not been reported in the literature in individuals affected with HNRNPU-related conditions. This sequence change replaces glycine, which is neutral and non-polar, with arginine, which is basic and polar, at codon 429 of the HNRNPU protein (p.Gly429Arg).